The following is an entry in ClinVar:

ClinVar aggregate classification (germline): Benign/Likely benign. Review status: criteria provided, multiple submitters, no conflicts (2 of 4 stars). 3 submissions from 3 submitters: Benign (1); Likely benign (2). Last evaluated 2025-05-08.

Conditions:
Cortical dysplasia-focal epilepsy syndrome (PTHSL1). Also called: Pitt-Hopkins-like syndrome 1. Identifiers: Orphanet 163681, Orphanet 221150, MedGen C2750246, MONDO:0012400, OMIM 610042.

Allele frequency attached by ClinVar (database versions not stated): TOPMed 0.00003; gnomAD 0.00004.
gnomAD v4.1: 70 of 1,613,630 alleles (0.0043%); highest among the groups gnomAD compares: Non-Finnish European, 0.0055%; no homozygotes.

Submissions (3):

Labcorp Genetics (formerly Invitae), Labcorp
Classification: Likely benign for Cortical dysplasia-focal epilepsy syndrome. Last evaluated: 2025-05-08. Review status: criteria provided, single submitter. Criteria: Invitae Variant Classification Sherloc (09022015). Collection method: clinical testing. Allele origin: germline.

Blueprint Genetics
Classification: Benign. Last evaluated: 2024-08-19. Review status: criteria provided, single submitter. Criteria: ACMG Guidelines, 2015. Collection method: clinical testing. Allele origin: germline.

GeneDx
Classification: Likely benign. Last evaluated: 2016-11-11. Review status: criteria provided, single submitter. Criteria: GeneDx Variant Classification (06012015). Collection method: clinical testing. Allele origin: germline. Affected: yes.
Comment: This variant is considered likely benign or benign based on one or more of the following criteria: it is a conservative change, it occurs at a poorly conserved position in the protein, it is predicted to be benign by multiple in silico algorithms, and/or has population frequency not consistent with disease.

NM_014141.6(CNTNAP2):c.2383+15C>T

Gene: CNTNAP2 (contactin associated protein 2; plus strand). Cytogenetic location: 7q35.
Variant type: single nucleotide variant.
Coding change: c.2383+15C>T on transcript NM_014141.6 (MANE Select); 15 bases into the intron after coding-DNA position 2383, C replaced by T.
Molecular consequence: intron variant.
Genome position (GRCh38, 1-based): chr7:147,978,004, C>T. VCF-style: chr7-147978004-C-T. GRCh37 (hg19) VCF-style: chr7-147675096-C-T.
Identifiers: ClinVar variation 390902 (VCV000390902.10), dbSNP rs748783925, ClinGen allele CA4546380.
Genomic context (GRCh38, chr7:147,978,004, plus strand): 5'-TCAGAAGCCAAATTGAGCGTAGGTCCTCTGCGCTGCCAAGGAGACAGTAAGTTTGCATAG[C>T]AGCTATGGCTTGCACTTTCTTATCCCATTTAAATATTGTTTCCAGGCTCCTCAGAAGATG-3'